The following is an entry in ClinVar:

ClinVar aggregate classification (germline): Uncertain significance (1 of 4 stars; one submission).

Allele frequency attached by ClinVar (database versions not stated): TOPMed below 0.00001.

Submission:

Labcorp Genetics (formerly Invitae), Labcorp
Classification: Uncertain significance. Last evaluated: 2021-08-14. Review status: criteria provided, single submitter. Criteria: Invitae Variant Classification Sherloc (09022015). Collection method: clinical testing. Allele origin: germline.
Comment: This sequence change replaces isoleucine with methionine at codon 1855 of the CAD protein (p.Ile1855Met). The isoleucine residue is moderately conserved and there is a small physicochemical difference between isoleucine and methionine. This variant is present in population databases (rs764452729, ExAC 0.02%). This variant has not been reported in the literature in individuals affected with CAD-related conditions. Algorithms developed to predict the effect of missense changes on protein structure and function (SIFT, PolyPhen-2, Align-GVGD) all suggest that this variant is likely to be tolerated. In summary, the available evidence is currently insufficient to determine the role of this variant in disease. Therefore, it has been classified as a Variant of Uncertain Significance.

NM_004341.5(CAD):c.5565C>G (p.Ile1855Met)

Gene: CAD (carbamoyl-phosphate synthetase 2, aspartate transcarbamylase, and dihydroorotase; plus strand). Cytogenetic location: 2p23.3.
Variant type: single nucleotide variant.
Coding change: c.5565C>G on transcript NM_004341.5 (MANE Select); coding-DNA position 5565, C replaced by G.
Protein change: p.Ile1855Met; replaces isoleucine 1855 with methionine.
Molecular consequence: missense variant.
Genome position (GRCh38, 1-based): chr2:27,240,333, C>G. VCF-style: chr2-27240333-C-G. GRCh37 (hg19) VCF-style: chr2-27463201-C-G.
Other names: c.5376C>G, p.Ile1792Met (NM_001306079.2); short protein forms I1792M, I1855M.
Identifiers: ClinVar variation 1429949 (VCV001429949.5), dbSNP rs764452729, ClinGen allele CA1573922.
Genomic context (GRCh38, chr2:27,240,333, plus strand): 5'-AAGACCCCGCCGTGGCATCCCAGGGCTTCCTGATGGCCGCTTCCATCTGCCGCCCCGAAT[C>G]CATCGAGCCTCCGACCCAGGTTTGCCAGGTAAGAGTGGGGTTCCTGTGACTCAGAGACTG-3'
Protein context (NP_004332.2, residues 1845-1865): PDGRFHLPPR[Ile1855Met]HRASDPGLPA